The following is an entry in ClinVar:

NC_000005.9:g.(?_145718676)_(145718815_?)del

Gene: POU4F3 (POU class 4 homeobox 3; plus strand). Cytogenetic location: 5q32.
Variant type: Deletion.
Identifiers: ClinVar variation 2424524 (VCV002424524.4).

ClinVar aggregate classification (germline): Pathogenic (1 of 4 stars; one submission).

Submission:

Labcorp Genetics (formerly Invitae), Labcorp
Classification: Pathogenic. Last evaluated: 2023-10-13. Review status: criteria provided, single submitter. Criteria: Invitae Variant Classification Sherloc (09022015). Collection method: clinical testing. Allele origin: germline.
Comment: This variant is a gross deletion of the genomic region encompassing exon(s) 1 of the POU4F3 gene, which includes the initiator codon. This deletion extends beyond the assayed region for this gene and therefore may encompass additional genes. It is expected to result in an absent or disrupted protein product. Loss-of-function variants in POU4F3 are known to be pathogenic (PMID: 24556497). This variant has not been reported in the literature in individuals affected with POU4F3-related conditions. For these reasons, this variant has been classified as Pathogenic.

Literature cited by the submitters: PubMed 24556497.